The following is an entry in ClinVar:

NM_003072.5(SMARCA4):c.2235G>T (p.Gln745His)

Gene: SMARCA4 (SWI/SNF related BAF chromatin remodeling complex subunit ATPase 4; plus strand). Cytogenetic location: 19p13.2.
Variant type: single nucleotide variant.
Coding change: c.2235G>T on transcript NM_003072.5 (MANE Select); coding-DNA position 2235, G replaced by T.
Protein change: p.Gln745His; replaces glutamine 745 with histidine.
Molecular consequence: missense variant. On other transcripts: non-coding transcript variant (1).
Genome position (GRCh38, 1-based): chr19:11,010,492, G>T. VCF-style: chr19-11010492-G-T. GRCh37 (hg19) VCF-style: chr19-11121168-G-T.
Other names: c.2235G>T, p.Gln745His (NM_001128844.3, NM_001128845.2, NM_001128846.2 and 6 more transcripts); short protein forms Q745H.
Identifiers: ClinVar variation 3389749 (VCV003389749.14).

ClinVar aggregate classification (germline): Uncertain significance (1 of 4 stars; one submission).

Submission:

CeGaT Center for Human Genetics Tuebingen
Classification: Uncertain significance. Last evaluated: 2024-09-01. Review status: criteria provided, single submitter. Criteria: CeGaT Center For Human Genetics Tuebingen Variant Classification Criteria Version 2. Collection method: clinical testing. Allele origin: germline. Affected: yes. Observed: 1 variant allele.
Comment: SMARCA4: PM2, PP2